The following is an entry in ClinVar:

NM_018127.7(ELAC2):c.1908+5G>A

Gene: ELAC2 (elaC ribonuclease Z 2; minus strand). Cytogenetic location: 17p12.
Variant type: single nucleotide variant.
Coding change: c.1908+5G>A on transcript NM_018127.7 (MANE Select); 5 bases into the intron after coding-DNA position 1908, G replaced by A.
Molecular consequence: intron variant.
Genome position (GRCh38, 1-based): chr17:12,994,958, C>T on the plus strand (G>A on the coding strand, the complement: ELAC2 is on the minus strand). VCF-style: chr17-12994958-C-T. GRCh37 (hg19) VCF-style: chr17-12898275-C-T.
Other names: c.1788+5G>A (NM_001165962.2); c.1905+5G>A (NM_173717.2).
Identifiers: ClinVar variation 1061107 (VCV001061107.2), dbSNP rs753540327, ClinGen allele CA8401024.

ClinVar aggregate classification (germline): Uncertain significance (1 of 4 stars; one submission).

Conditions:
Combined oxidative phosphorylation defect type 17. Also called: Combined oxidative phosphorylation deficiency 17. Identifiers: Orphanet 369913, MedGen C3809526, MONDO:0014190, OMIM 615440.

Allele frequency attached by ClinVar (database versions not stated): TOPMed below 0.00001; gnomAD exomes 0.00001 and 0.00006; ExAC 0.00005.
gnomAD v4.1: 21 of 1,614,174 alleles (0.0013%); highest among the groups gnomAD compares: South Asian, 0.019%; no homozygotes.

Submission:

Labcorp Genetics (formerly Invitae), Labcorp
Classification: Uncertain significance for Combined oxidative phosphorylation defect type 17. Last evaluated: 2020-06-16. Review status: criteria provided, single submitter. Criteria: Invitae Variant Classification Sherloc (09022015). Collection method: clinical testing. Allele origin: germline.
Comment: This sequence change falls in intron 20 of the ELAC2 gene. It does not directly change the encoded amino acid sequence of the ELAC2 protein, but it affects a nucleotide within the consensus splice site of the intron. This variant is present in population databases (rs753540327, ExAC 0.04%). This variant has not been reported in the literature in individuals with ELAC2-related conditions. Nucleotide substitutions within the consensus splice site are a relatively common cause of aberrant splicing (PMID: 17576681, 9536098). Algorithms developed to predict the effect of sequence changes on RNA splicing suggest that this variant may disrupt the consensus splice site, but this prediction has not been confirmed by published transcriptional studies. In summary, the available evidence is currently insufficient to determine the role of this variant in disease. Therefore, it has been classified as a Variant of Uncertain Significance.

Literature cited by the submitters: PubMed 17576681; PubMed 9536098.